The following is an entry in ClinVar:

NM_003396.3(WNT9B):c.731C>T (p.Ser244Leu)

Genes: LRRC37A2 (leucine rich repeat containing 37 member A2), WNT9B (Wnt family member 9B; plus strand). Cytogenetic location: 17q21.32.
Variant type: single nucleotide variant.
Coding change: c.731C>T on transcript NM_003396.3 (MANE Select); coding-DNA position 731, C replaced by T.
Protein change: p.Ser244Leu; replaces serine 244 with leucine.
Molecular consequence: missense variant.
Genome position (GRCh38, 1-based): chr17:46,876,375, C>T. VCF-style: chr17-46876375-C-T. GRCh37 (hg19) VCF-style: chr17-44953741-C-T.
Other names: c.731C>T, p.Ser244Leu (NM_001320458.2); c.731C>T (NM_003396.2); short protein forms S244L.
Identifiers: ClinVar variation 2060089 (VCV002060089.6), dbSNP rs115163288, ClinGen allele CA8620992.

ClinVar aggregate classification (germline): Benign. Review status: criteria provided, single submitter (1 of 4 stars). 2 submissions from 2 submitters: Benign (1). 1 of the submissions does not count toward it. Last evaluated 2026-01-19.

Conditions:
WNT9B-related disorder. Also called: WNT9B-related condition.

Allele frequency attached by ClinVar (database versions not stated): ExAC 0.00170; ESP Exome Variant Server 0.00500; 1000 Genomes Project 30x 0.00625; 1000 Genomes Project 0.00659.
gnomAD v4.1: 1,580 of 1,613,990 alleles (0.098%); highest among the groups gnomAD compares: African/African-American, 1.8%; 11 homozygotes.

Submissions (2):

Labcorp Genetics (formerly Invitae), Labcorp
Classification: Benign. Last evaluated: 2026-01-19. Review status: criteria provided, single submitter. Criteria: Invitae Variant Classification Sherloc (09022015). Collection method: clinical testing. Allele origin: germline.

PreventionGenetics, part of Exact Sciences
Classification: Likely benign for WNT9B-related condition. Last evaluated: 2019-03-19. Review status: no assertion criteria provided. Collection method: clinical testing. Allele origin: germline. Not counted in ClinVar's aggregate classification.
Comment: This variant is classified as likely benign based on ACMG/AMP sequence variant interpretation guidelines (Richards et al. 2015 PMID: 25741868, with internal and published modifications).